The following is an entry in ClinVar:

ClinVar aggregate classification (germline): Likely pathogenic (1 of 4 stars; one submission).

Conditions:
Primary dilated cardiomyopathy (DCM). Also called: Dilated Cardiomyopathy. Identifiers: Orphanet 217604, MedGen C0007193, MeSH D002311, MONDO:0005021, HP:0001644. Inheritance: Various modes of inheritance.

Allele frequency attached by ClinVar (database versions not stated): gnomAD exomes below 0.00001.

Submission:

Laboratory for Molecular Medicine, Mass General Brigham Personalized Medicine
Classification: Likely pathogenic for Primary dilated cardiomyopathy. Last evaluated: 2013-02-20. Review status: criteria provided, single submitter. Criteria: LMM Criteria. Collection method: clinical testing. Allele origin: germline. Observed: 5 variant alleles.
Comment: The presence of this variant in four unaffected relatives suggests that it may have a reduced penetrance or that other genetic or environm ental factors may be contributing to disease in this family. The Met12789fs vari ant is predicted to cause a frameshift, which alters the protein's amino acid se quence beginning at codon 12789 and leads to a premature stop codon 4 amino acid s downstream. This alteration is then predicted to lead to a truncated or absent protein (loss of function). Loss of function variants in TTN are common in pati ents with DCM (Herman 2012). In summary, the severity of the impact to the prote in as well as the high prevalence of loss of function variants in patients with DCM suggests that this variant is likely to be pathogenic.

NM_001267550.2(TTN):c.46069_46070del (p.Met15357fs)

Gene: TTN (titin; minus strand). Cytogenetic location: 2q31.2.
Variant type: Deletion.
Coding change: c.46069_46070del on transcript NM_001267550.2 (MANE Select); coding-DNA positions 46069 to 46070, 2 bases deleted (AT; older notation c.46069_46070delAT).
Protein change: p.Met15357fs; shifts the reading frame from methionine 15357.
Molecular consequence: frameshift variant.
Genome position (GRCh38, 1-based): chr2:178,620,451-178,620,452, AT deleted on the plus strand (AT on the coding strand, the reverse complement: TTN is on the minus strand). VCF-style (leftmost placement, unchanged base first): chr2-178620450-CAT-C. GRCh37 (hg19) VCF-style: chr2-179485177-CAT-C.
Other names: c.38365_38366delAT (NM_133378.4); c.41146_41147del, p.Met13716fs (NM_001256850.1); c.18874_18875del, p.Met6292fs (NM_003319.4); c.38365_38366del, p.Met12789fs (NM_133378.4); c.19249_19250del, p.Met6417fs (NM_133432.3); c.19450_19451del, p.Met6484fs (NM_133437.4); short protein forms M6484fs, M15357fs, M6292fs, M13716fs, M12789fs, M6417fs.
Identifiers: ClinVar variation 46997 (VCV000046997.5), dbSNP rs397517584, ClinGen allele CA261859.
Genomic context (GRCh38, chr2:178,620,450, plus strand): 5'-TTGTCCAGCAGTGACAATGTATTCACCTTCATCTGGGAAGCCACAGTCTTTAATGGTTAA[CAT>C]GTGCTTGTACTTATCAACTCTGTATGAGACACGGTTGTCAAAAGGCACTTCTTCACCATT-3'